The following is an entry in ClinVar:

ClinVar aggregate classification (germline): Uncertain significance (1 of 4 stars; one submission).

Conditions:
Generalized epilepsy with febrile seizures plus, type 9 (GEFSP9). Also called: GEFS+, TYPE 9. Identifiers: Orphanet 36387, MedGen C4015395, MONDO:0014517, OMIM 616172.

Submission:

Labcorp Genetics (formerly Invitae), Labcorp
Classification: Uncertain significance for Generalized epilepsy with febrile seizures plus, type 9. Last evaluated: 2025-10-07. Review status: criteria provided, single submitter. Criteria: Invitae Variant Classification Sherloc (09022015). Collection method: clinical testing. Allele origin: germline.
Comment: This variant, c.487_489del, results in the deletion of 1 amino acid(s) of the STX1B protein (p.Glu163del), but otherwise preserves the integrity of the reading frame. This variant is not present in population databases (gnomAD no frequency). This variant has not been reported in the literature in individuals affected with STX1B-related conditions. Experimental studies and prediction algorithms are not available or were not evaluated, and the functional significance of this variant is currently unknown. In summary, the available evidence is currently insufficient to determine the role of this variant in disease. Therefore, it has been classified as a Variant of Uncertain Significance.

NM_052874.5(STX1B):c.484GAA[1] (p.Glu163del)

Gene: STX1B (syntaxin 1B; minus strand). Cytogenetic location: 16p11.2.
Variant type: Microsatellite.
Coding change: c.484GAA[1] on transcript NM_052874.5 (MANE Select); one copy of the 3-base unit GAA starting at c.484; the reference has two copies in a row; one copy, 3 bases deleted.
Protein change: p.Glu163del; deletes glutamic acid 163.
Molecular consequence: inframe deletion.
Genome position (GRCh38, 1-based): chr16:30,996,731-30,996,733, TTC deleted on the plus strand (GAA on the coding strand, the reverse complement: STX1B is on the minus strand); deleting any 3 consecutive bases within chr16:30,996,731-30,996,736 gives the same sequence; the position shown is the placement nearest the transcript's 3' end. VCF-style (leftmost placement, unchanged base first): chr16-30996730-GTTC-G. GRCh37 (hg19) VCF-style: chr16-31008051-GTTC-G.
Other names: short protein forms E163del.
Identifiers: ClinVar variation 4704830 (VCV004704830.1).
Genomic context (GRCh38, chr16:30,996,730, plus strand): 5'-ACCCGCGGCTCACGTCATCTGTGAAGATGGCCAGCTTCCCGCTCTCCAGCATGTCTTCCA[GTTC>G]TTCGTTGGTGGTGGTCCTTCCAGCTGCGGGAAGAAAGGACTCCCTGCTCGGGGGCTGGGA-3'